The following is an entry in ClinVar:

NM_001349206.2(LPIN1):c.1534C>T (p.Arg512Trp)

Gene: LPIN1 (lipin 1; plus strand). Cytogenetic location: 2p25.1.
Variant type: single nucleotide variant.
Coding change: c.1534C>T on transcript NM_001349206.2 (MANE Select); coding-DNA position 1534, C replaced by T.
Protein change: p.Arg512Trp; replaces arginine 512 with tryptophan.
Molecular consequence: missense variant. On other transcripts: non-coding transcript variant (1).
Genome position (GRCh38, 1-based): chr2:11,785,061, C>T. VCF-style: chr2-11785061-C-T. GRCh37 (hg19) VCF-style: chr2-11925187-C-T.
Other names: c.1444C>T, p.Arg482Trp (NM_001261427.3); c.1681C>T, p.Arg561Trp (NM_001261428.3); c.1426C>T, p.Arg476Trp (NM_001349199.2, NM_001349200.2, NM_001349201.2 and 1 more transcripts); c.1531C>T, p.Arg511Trp (NM_001349202.2, NM_001349203.2); c.1534C>T, p.Arg512Trp (NM_001349204.2, NM_001349205.2); c.1624C>T, p.Arg542Trp (NM_001349207.2); c.1573C>T, p.Arg525Trp (NM_001349208.2); short protein forms R476W, R512W, R561W, R525W, R511W, R482W, R542W.
Identifiers: ClinVar variation 2148254 (VCV002148254.28), dbSNP rs760960301, ClinGen allele CA1533733.

ClinVar aggregate classification (germline): Uncertain significance. Review status: criteria provided, multiple submitters, no conflicts (2 of 4 stars). 2 submissions from 2 submitters: Uncertain significance (2). Last evaluated 2023-06-01.

Allele frequency attached by ClinVar (database versions not stated): ExAC 0.00001; TOPMed 0.00002; gnomAD 0.00003.
gnomAD v4.1: 10 of 1,583,962 alleles (0.00063%); highest among the groups gnomAD compares: Non-Finnish European, 0.00086%; no homozygotes.

Submissions (2):

CeGaT Center for Human Genetics Tuebingen
Classification: Uncertain significance. Last evaluated: 2023-06-01. Review status: criteria provided, single submitter. Criteria: CeGaT Center For Human Genetics Tuebingen Variant Classification Criteria Version 2. Collection method: clinical testing. Allele origin: germline. Affected: yes. Observed: 1 variant allele.
Comment: LPIN1: PM2

Labcorp Genetics (formerly Invitae), Labcorp
Classification: Uncertain significance. Last evaluated: 2022-03-19. Review status: criteria provided, single submitter. Criteria: Invitae Variant Classification Sherloc (09022015). Collection method: clinical testing. Allele origin: germline.
Comment: This sequence change replaces arginine, which is basic and polar, with tryptophan, which is neutral and slightly polar, at codon 476 of the LPIN1 protein (p.Arg476Trp). The frequency data for this variant in the population databases is considered unreliable, as metrics indicate poor data quality at this position in the gnomAD database. This variant has not been reported in the literature in individuals affected with LPIN1-related conditions. Algorithms developed to predict the effect of missense changes on protein structure and function are either unavailable or do not agree on the potential impact of this missense change (SIFT: "Deleterious"; PolyPhen-2: "Probably Damaging"; Align-GVGD: "Class C0"). In summary, the available evidence is currently insufficient to determine the role of this variant in disease. Therefore, it has been classified as a Variant of Uncertain Significance.